The following is an entry in ClinVar:

ClinVar aggregate classification (germline): Pathogenic. Review status: criteria provided, multiple submitters, no conflicts (2 of 4 stars). 2 submissions from 2 submitters: Pathogenic (2). Last evaluated 2025-05-07.

Conditions:
Hereditary cancer-predisposing syndrome. Also called: Hereditary Cancer Syndrome; Neoplastic Syndromes, Hereditary; Hereditary neoplastic syndrome; Tumor predisposition. Identifiers: Orphanet 140162, MedGen C0027672, MeSH D009386, MONDO:0015356.
Familial adenomatous polyposis 1 (FAP1). Also called: FAMILIAL ADENOMATOUS POLYPOSIS 1, ATTENUATED; POLYPOSIS, ADENOMATOUS INTESTINAL. Identifiers: MedGen C2713442, MONDO:0021056, OMIM 175100. Disease mechanism: loss of function.

Submissions (2):

Labcorp Genetics (formerly Invitae), Labcorp
Classification: Pathogenic for Familial adenomatous polyposis 1. Last evaluated: 2025-05-07. Review status: criteria provided, single submitter. Criteria: Invitae Variant Classification Sherloc (09022015). Collection method: clinical testing. Allele origin: germline.
Comment: This sequence change creates a premature translational stop signal (p.Leu710Profs*8) in the APC gene. While this is not anticipated to result in nonsense mediated decay, it is expected to disrupt the last 2134 amino acid(s) of the APC protein. This variant is not present in population databases (gnomAD no frequency). This variant has not been reported in the literature in individuals affected with APC-related conditions. ClinVar contains an entry for this variant (Variation ID: 428144). This variant is expected to disrupt the EB1 and HDLG binding sites, which mediate interactions with the cytoskeleton (PMID: 15311282, 17293347). While functional studies have not been performed to directly test the effect on APC protein function, this suggests that disruption of the C-terminal portion of the protein is functionally important. A different truncation (p.Tyr2645Lysfs*14) that lies downstream of this variant has been determined to be pathogenic (PMID: 9824584, 1316610, 27081525, 8381579, 22135120, internal data). This suggests that deletion of this region of the APC protein is causative of disease. For these reasons, this variant has been classified as Pathogenic.

Ambry Genetics
Classification: Pathogenic for Hereditary cancer-predisposing syndrome. Last evaluated: 2015-11-20. Review status: criteria provided, single submitter. Criteria: Ambry Variant Classification Scheme 2023. Collection method: clinical testing. Allele origin: germline.
Comment: The c.2129delT pathogenic mutation, located in coding exon 15 of the APC gene, results from a deletion of one nucleotide at position 2129, causing a translational frameshift with a predicted alternate stop codon. Since frameshifts are typically deleterious in nature, this alteration is interpreted as a disease-causing mutation (ACMG Recommendations for Standards for Interpretation and Reporting of Sequence Variations. Revision 2007. Genet Med. 2008;10:294).

Literature cited by the submitters: PubMed 15311282 (cited by Labcorp Genetics (formerly Invitae), Labcorp); PubMed 17293347 (cited by Labcorp Genetics (formerly Invitae), Labcorp); PubMed 9824584 (cited by Labcorp Genetics (formerly Invitae), Labcorp); PubMed 1316610 (cited by Labcorp Genetics (formerly Invitae), Labcorp); PubMed 27081525 (cited by Labcorp Genetics (formerly Invitae), Labcorp); PubMed 8381579 (cited by Labcorp Genetics (formerly Invitae), Labcorp); PubMed 22135120 (cited by Labcorp Genetics (formerly Invitae), Labcorp).

NM_000038.6(APC):c.2129del (p.Leu710fs)

Gene: APC (APC regulator of Wnt signaling pathway; plus strand). Cytogenetic location: 5q22.2.
Variant type: Deletion.
Coding change: c.2129del on transcript NM_000038.6 (MANE Select); coding-DNA position 2129, one base deleted (T; older notation c.2129delT).
Protein change: p.Leu710fs; shifts the reading frame from leucine 710.
Molecular consequence: frameshift variant.
Genome position (GRCh38, 1-based): chr5:112,837,723, T deleted. VCF-style (leftmost placement, unchanged base first): chr5-112837722-CT-C. GRCh37 (hg19) VCF-style: chr5-112173419-CT-C.
Other names: c.2129del, p.Leu710fs (NM_001127510.3, NM_001354895.2); c.2075del, p.Leu692fs (NM_001127511.3); c.2183del, p.Leu728fs (NM_001354896.2); c.2159del, p.Leu720fs (NM_001354897.2); c.2054del, p.Leu685fs (NM_001354898.2); c.2045del, p.Leu682fs (NM_001354899.2); c.2006del, p.Leu669fs (NM_001354900.2); c.1952del, p.Leu651fs (NM_001354901.2); and 5 more; short protein forms L651fs, L682fs, L710fs, L550fs, L669fs, L692fs, L720fs, L728fs.
Identifiers: ClinVar variation 428144 (VCV000428144.6), dbSNP rs1114167584, ClinGen allele CA645369358.